The following is an entry in ClinVar:

NC_000023.10:g.(?_22237153)_(22245728_?)del

Gene: PHEX (phosphate regulating endopeptidase X-linked; plus strand). Cytogenetic location: Xp22.11.
Variant type: Deletion.
Identifiers: ClinVar variation 1069837 (VCV001069837.7).

ClinVar aggregate classification (germline): Pathogenic (1 of 4 stars; one submission).

Submission:

Labcorp Genetics (formerly Invitae), Labcorp
Classification: Pathogenic. Last evaluated: 2020-03-25. Review status: criteria provided, single submitter. Criteria: Invitae Variant Classification Sherloc (09022015). Collection method: clinical testing. Allele origin: germline.
Comment: This variant is an out-of-frame deletion of the genomic region encompassing exons 17-20 of the PHEX gene. This is expected to create a premature translational stop signal and result in an absent or disrupted protein product. For these reasons, this variant has been classified as Pathogenic. Loss-of-function variants in PHEX are known to be pathogenic (PMID: 9097956, 9106524, 19219621). Deletion of exons 17-20 has been observed in an individual with hypophosphatemic rickets. (PMID: 21902834).

Literature cited by the submitters: PubMed 9097956; PubMed 9106524; PubMed 19219621; PubMed 21902834.